The following is an entry in ClinVar:

NM_000059.4(BRCA2):c.7262A>G (p.Gln2421Arg)

Gene: BRCA2 (BRCA2 DNA repair associated; plus strand). Cytogenetic location: 13q13.1.
Variant type: single nucleotide variant.
Coding change: c.7262A>G on transcript NM_000059.4 (MANE Select); coding-DNA position 7262, A replaced by G.
Protein change: p.Gln2421Arg; replaces glutamine 2421 with arginine.
Molecular consequence: missense variant.
Genome position (GRCh38, 1-based): chr13:32,355,115, A>G. VCF-style: chr13-32355115-A-G. GRCh37 (hg19) VCF-style: chr13-32929252-A-G.
Other names: short protein forms Q2421R.
Identifiers: ClinVar variation 859083 (VCV000859083.11), dbSNP rs2072681438, ClinGen allele CA387740555.
Genomic context (GRCh38, chr13:32,355,115, plus strand): 5'-GACCAACCAAAGTCTTTGTTCCACCTTTTAAAACTAAATCACATTTTCACAGAGTTGAAC[A>G]GTGTGTTAGGAATATTAACTTGGAGGAAAACAGACAAAAGCAAAACATTGATGGACATGG-3'
Protein context (NP_000050.3, residues 2411-2431): KTKSHFHRVE[Gln2421Arg]CVRNINLEEN

ClinVar aggregate classification (germline): Uncertain significance. Review status: criteria provided, multiple submitters, no conflicts (2 of 4 stars). 2 submissions from 2 submitters: Uncertain significance (2). Last evaluated 2025-03-04.

Conditions:
Hereditary breast ovarian cancer syndrome. Also called: Hereditary breast and ovarian cancer; Breast and ovarian cancer; Hereditary breast and/or ovarian cancer syndrome; Hereditary breast and ovarian cancer syndrome; Hereditary breast and ovarian cancer syndrome (HBOC); BRCA1- and BRCA2-Associated Hereditary Breast and Ovarian Cancer. Identifiers: Orphanet 145, MedGen C0677776, MeSH D061325, MONDO:0003582. Disease mechanism: loss of function.
Hereditary cancer-predisposing syndrome. Also called: Tumor predisposition; Hereditary neoplastic syndrome; Neoplastic Syndromes, Hereditary; Hereditary Cancer Syndrome. Identifiers: Orphanet 140162, MedGen C0027672, MeSH D009386, MONDO:0015356.

Submissions (2):

Labcorp Genetics (formerly Invitae), Labcorp
Classification: Uncertain significance for Hereditary breast ovarian cancer syndrome. Last evaluated: 2025-03-04. Review status: criteria provided, single submitter. Criteria: Invitae Variant Classification Sherloc (09022015). Collection method: clinical testing. Allele origin: germline.
Comment: This sequence change replaces glutamine, which is neutral and polar, with arginine, which is basic and polar, at codon 2421 of the BRCA2 protein (p.Gln2421Arg). This variant is not present in population databases (gnomAD no frequency). This variant has not been reported in the literature in individuals affected with BRCA2-related conditions. ClinVar contains an entry for this variant (Variation ID: 859083). Invitae Evidence Modeling of protein sequence and biophysical properties (such as structural, functional, and spatial information, amino acid conservation, physicochemical variation, residue mobility, and thermodynamic stability) indicates that this missense variant is not expected to disrupt BRCA2 protein function with a negative predictive value of 95%. In summary, the available evidence is currently insufficient to determine the role of this variant in disease. Therefore, it has been classified as a Variant of Uncertain Significance.

Ambry Genetics
Classification: Uncertain significance for Hereditary cancer-predisposing syndrome. Last evaluated: 2024-10-23. Review status: criteria provided, single submitter. Criteria: Ambry Variant Classification Scheme 2023. Collection method: clinical testing. Allele origin: germline.
Comment: The p.Q2421R variant (also known as c.7262A>G), located in coding exon 13 of the BRCA2 gene, results from an A to G substitution at nucleotide position 7262. The glutamine at codon 2421 is replaced by arginine, an amino acid with highly similar properties. This amino acid position is conserved. In addition, this alteration is predicted to be tolerated by in silico analysis. Since supporting evidence is limited at this time, the clinical significance of this alteration remains unclear.